The following is an entry in ClinVar:

NM_177986.5(DSG4):c.498T>G (p.Ile166Met)

Genes: DSG1-AS1 (DSG1 antisense RNA 1; minus strand), DSG4 (desmoglein 4; plus strand). Cytogenetic location: 18q12.1.
Variant type: single nucleotide variant.
Coding change: c.498T>G on transcript NM_177986.5 (MANE Select); coding-DNA position 498, T replaced by G.
Protein change: p.Ile166Met; replaces isoleucine 166 with methionine.
Molecular consequence: missense variant.
Genome position (GRCh38, 1-based): chr18:31,388,999, T>G. VCF-style: chr18-31388999-T-G. GRCh37 (hg19) VCF-style: chr18-28968962-T-G.
Other names: c.498T>G, p.Ile166Met (NM_001134453.3); short protein forms I166M.
Identifiers: ClinVar variation 1929691 (VCV001929691.6), dbSNP rs779253679, ClinGen allele CA8926736.

ClinVar aggregate classification (germline): Uncertain significance. Review status: criteria provided, multiple submitters, no conflicts (2 of 4 stars). 2 submissions from 2 submitters: Uncertain significance (2). Last evaluated 2024-05-06.

Conditions:
Inborn genetic diseases. Identifiers: MedGen C0950123, MeSH D030342.

Allele frequency attached by ClinVar (database versions not stated): ExAC 0.00001; TOPMed 0.00001.
gnomAD v4.1: 35 of 1,613,220 alleles (0.0022%); highest among the groups gnomAD compares: Non-Finnish European, 0.003%; no homozygotes.

Submissions (2):

Labcorp Genetics (formerly Invitae), Labcorp
Classification: Uncertain significance. Last evaluated: 2024-05-06. Review status: criteria provided, single submitter. Criteria: Invitae Variant Classification Sherloc (09022015). Collection method: clinical testing. Allele origin: germline.
Comment: This sequence change replaces isoleucine, which is neutral and non-polar, with methionine, which is neutral and non-polar, at codon 166 of the DSG4 protein (p.Ile166Met). This variant is present in population databases (rs779253679, gnomAD 0.002%). This variant has not been reported in the literature in individuals affected with DSG4-related conditions. ClinVar contains an entry for this variant (Variation ID: 1929691). Advanced modeling of protein sequence and biophysical properties (such as structural, functional, and spatial information, amino acid conservation, physicochemical variation, residue mobility, and thermodynamic stability) performed at Invitae indicates that this missense variant is not expected to disrupt DSG4 protein function with a negative predictive value of 80%. In summary, the available evidence is currently insufficient to determine the role of this variant in disease. Therefore, it has been classified as a Variant of Uncertain Significance.

Ambry Genetics
Classification: Uncertain significance for Inborn genetic diseases. Last evaluated: 2022-01-26. Review status: criteria provided, single submitter. Criteria: Ambry Variant Classification Scheme 2023. Collection method: clinical testing. Allele origin: germline.